The following is an entry in ClinVar:

NM_002225.5(IVD):c.99G>A (p.Leu33=)

Gene: IVD (isovaleryl-CoA dehydrogenase; plus strand). Cytogenetic location: 15q15.1.
Variant type: single nucleotide variant.
Coding change: c.99G>A on transcript NM_002225.5 (MANE Select); coding-DNA position 99, G replaced by A.
Protein change: p.Leu33=; no amino-acid change (leucine 33 retained).
Molecular consequence: synonymous variant. On other transcripts: 5 prime UTR variant (1), non-coding transcript variant (1).
Genome position (GRCh38, 1-based): chr15:40,405,926, G>A. VCF-style: chr15-40405926-G-A. GRCh37 (hg19) VCF-style: chr15-40698127-G-A.
Other names: c.99G>A, p.Leu33= (NM_001159508.3, NM_001354598.3, NM_001354599.3 and 2 more transcripts); c.-329G>A (NM_001354597.3); c.108G>A (NM_002225.3).
Identifiers: ClinVar variation 2872289 (VCV002872289.5), dbSNP rs1026174549, ClinGen allele CA268823594.
Genomic context (GRCh38, chr15:40,405,926, plus strand): 5'-GAGCTGGAGGCTGCGGCCGCCGCTTGCCGGCTTCGTTTCCCAGCGGGCCCACTCGCTTTT[G>A]CCCGTGGACGATGCAATCAATGGGCTAAGCGAGGAGCAGAGGCAGGTGAGGAGACTGACC-3'
Protein context (NP_002216.3, residues 23-43): GFVSQRAHSL[Leu33=]PVDDAINGLS

ClinVar aggregate classification (germline): Likely benign. Review status: criteria provided, single submitter (1 of 4 stars). 2 submissions from 2 submitters: Likely benign (1). 1 of the submissions does not count toward it. Last evaluated 2023-01-28.

Conditions:
Isovaleryl-CoA dehydrogenase deficiency (IVA). Also called: ISOVALERIC ACID CoA DEHYDROGENASE DEFICIENCY; Isovaleric acidemia; IVD DEFICIENCY; Classic Isovaleric Acidemia. Identifiers: Orphanet 33, MedGen C0268575, MONDO:0009475, OMIM 243500.
IVD-related disorder. Also called: IVD-related condition.

Allele frequency attached by ClinVar (database versions not stated): gnomAD 0.00001; gnomAD exomes 0.00001; TOPMed 0.00002.
gnomAD v4.1: 6 of 1,612,942 alleles (0.00037%); highest among the groups gnomAD compares: African/African-American, 0.0067%; no homozygotes.

Submissions (2):

Labcorp Genetics (formerly Invitae), Labcorp
Classification: Likely benign for Isovaleryl-CoA dehydrogenase deficiency. Last evaluated: 2023-01-28. Review status: criteria provided, single submitter. Criteria: Invitae Variant Classification Sherloc (09022015). Collection method: clinical testing. Allele origin: germline.

PreventionGenetics, part of Exact Sciences
Classification: Likely benign for IVD-related condition. Last evaluated: 2022-05-12. Review status: no assertion criteria provided. Collection method: clinical testing. Allele origin: germline. Not counted in ClinVar's aggregate classification.
Comment: This variant is classified as likely benign based on ACMG/AMP sequence variant interpretation guidelines (Richards et al. 2015 PMID: 25741868, with internal and published modifications).